The following is an entry in ClinVar:

NM_000455.5(STK11):c.*16+5G>A

Gene: STK11 (serine/threonine kinase 11; plus strand). Cytogenetic location: 19p13.3.
Variant type: single nucleotide variant.
Coding change: c.*16+5G>A on transcript NM_000455.5 (MANE Select); 5 bases into the intron after 16 bases downstream of the stop codon, G replaced by A.
Molecular consequence: intron variant.
Genome position (GRCh38, 1-based): chr19:1,226,668, G>A. VCF-style: chr19-1226668-G-A. GRCh37 (hg19) VCF-style: chr19-1226667-G-A.
Other names: NC_000019.9:g.1226667G>A.
Identifiers: ClinVar variation 234870 (VCV000234870.2), dbSNP rs876661268, ClinGen allele CA10577602.
Genomic context (GRCh38, chr19:1,226,668, plus strand): 5'-CAGCAAGATCCGCCGGCTGTCGGCCTGCAAGCAGCAGTGAGGCTGGCCGCCTGCAGGTGG[G>A]GCGCGGCGGGGCCCGGGTGGGGCATGTGGGGACAACGCCTGGATGCCACAGCCAGCCGTG-3'

ClinVar aggregate classification (germline): Uncertain significance (1 of 4 stars; one submission).

Allele frequency attached by ClinVar (database versions not stated): TOPMed 0.00002.

Submissions (2):

GeneDx
Classification: Uncertain significance. Last evaluated: 2017-06-30. Review status: criteria provided, single submitter. Criteria: GeneDx Variant Classification (06012015). Collection method: clinical testing. Allele origin: germline. Affected: yes.
Comment: This variant is denoted STK11 c.1318+5G>A or IVS9+5G>A and consists of a G>A nucleotide substitution at the +5 position of intron 9 of the STK11 gene. Multiple in silico models predict this variant to destroy the nearby natural donor site, and to possibly cause abnormal gene splicing; however, in the absence of RNA or functional studies, the actual effect of this variant is unknown. This variant has not, to our knowledge, been published in the literature as pathogenic or benign. STK11 c.1318+5G>A was not observed in approximately 4,400 individuals of European and African American ancestry in the NHLBI Exome Sequencing Project, suggesting it is not a common benign variant in these populations. The guanine (G) nucleotide that is altered is conserved through mammals. Based on currently available information, it is unclear whether STK11 c.1318+5G>A is pathogenic or benign. We consider it to be a variant of uncertain significance.

Dr. Peter K. Rogan Lab, Western University
No classification provided (evidence only). Condition: Ovarian serous cystadenocarcinoma. Review status: no classification provided. Collection method: in vitro. Allele origin: not applicable. Functional consequence: retained intron. Not counted in ClinVar's aggregate classification.